The following is an entry in ClinVar:

ClinVar aggregate classification (germline): Pathogenic (1 of 4 stars; one submission).

Conditions:
Hereditary cancer-predisposing syndrome. Also called: Tumor predisposition; Hereditary Cancer Syndrome; Hereditary neoplastic syndrome; Neoplastic Syndromes, Hereditary. Identifiers: Orphanet 140162, MedGen C0027672, MeSH D009386, MONDO:0015356.

Submission:

Labcorp Genetics (formerly Invitae), Labcorp
Classification: Pathogenic for Hereditary cancer-predisposing syndrome. Last evaluated: 2025-08-26. Review status: criteria provided, single submitter. Criteria: Invitae Variant Classification Sherloc (09022015). Collection method: clinical testing. Allele origin: germline.
Comment: This sequence change creates a premature translational stop signal (p.Ile24Leufs*26) in the RAD50 gene. It is expected to result in an absent or disrupted protein product. Loss-of-function variants in RAD50 are known to be pathogenic (PMID: 19409520). This variant is not present in population databases (gnomAD no frequency). This variant has not been reported in the literature in individuals affected with RAD50-related conditions. ClinVar contains an entry for this variant (Variation ID: 2813695). For these reasons, this variant has been classified as Pathogenic.

Literature cited by the submitters: PubMed 19409520.

NM_005732.4(RAD50):c.70del (p.Ile24fs)

Gene: RAD50 (RAD50 double strand break repair protein; plus strand). Cytogenetic location: 5q31.1.
Variant type: Deletion.
Coding change: c.70del on transcript NM_005732.4 (MANE Select); coding-DNA position 70, one base deleted (A; older notation c.70delA).
Protein change: p.Ile24fs; shifts the reading frame from isoleucine 24.
Molecular consequence: frameshift variant.
Genome position (GRCh38, 1-based): chr5:132,557,394, A deleted; the last of 3 consecutive A bases (chr5:132,557,392-132,557,394); deleting any one gives the same sequence. VCF-style (leftmost placement, unchanged base first): chr5-132557391-CA-C. GRCh37 (hg19) VCF-style: chr5-131893083-CA-C.
Other names: short protein forms I24fs.
Identifiers: ClinVar variation 2813695 (VCV002813695.3), dbSNP rs2479574035, ClinGen allele CA2739275056.